The following is an entry in ClinVar:

NM_000719.7(CACNA1C):c.3343G>C (p.Glu1115Gln)

Gene: CACNA1C (calcium voltage-gated channel subunit alpha1 C; plus strand). Cytogenetic location: 12p13.33.
Variant type: single nucleotide variant.
Coding change: c.3343G>C on transcript NM_000719.7 (MANE Select); coding-DNA position 3343, G replaced by C.
Protein change: p.Glu1115Gln; replaces glutamic acid 1115 with glutamine.
Molecular consequence: missense variant.
Genome position (GRCh38, 1-based): chr12:2,607,117, G>C. VCF-style: chr12-2607117-G-C. GRCh37 (hg19) VCF-style: chr12-2716283-G-C.
Other names: c.3403G>C, p.Glu1135Gln (NM_001129827.2, NM_001129832.2, NM_199460.4); c.3343G>C, p.Glu1115Gln (NM_001129829.2, NM_001129830.3, NM_001129831.2 and 15 more transcripts); c.3334G>C, p.Glu1112Gln (NM_001129844.2); short protein forms E1112Q, E1115Q, E1135Q.
Identifiers: ClinVar variation 4891276 (VCV004891276.1).

ClinVar aggregate classification (germline): Likely pathogenic (1 of 4 stars; one submission).

Conditions:
Brugada syndrome 3 (BRGDA3). Identifiers: Orphanet 130, MedGen C2678478, MONDO:0012742, OMIM 611875.
Long QT syndrome 8. Identifiers: MedGen CN260585, MONDO:0032756, OMIM 618447.

Submission:

Clinical Genetics Laboratory, University Hospital Schleswig-Holstein
Classification: Likely pathogenic for Brugada syndrome 3; Long QT syndrome 8. Last evaluated: 2025-11-13. Review status: criteria provided, single submitter. Criteria: ACMG Guidelines, 2015. Collection method: clinical testing. Allele origin: de novo. Affected: yes. Observed: 1 heterozygote.
Comment: ACMG criteria applied: PM1, PM2, PM5, PP3, PS2_Moderate